The following is an entry in ClinVar:

NM_001035.3(RYR2):c.11403-16dup

Gene: RYR2 (ryanodine receptor 2; plus strand). Cytogenetic location: 1q43.
Variant type: Duplication.
Coding change: c.11403-16dup on transcript NM_001035.3 (MANE Select); 16 bases into the intron before coding-DNA position 11403, one base duplicated (T; older notation c.11403-16dupT).
Molecular consequence: intron variant.
Genome position (GRCh38, 1-based): chr1:237,760,939, T duplicated; the last of 9 consecutive T bases (chr1:237,760,931-237,760,939); duplicating any one gives the same sequence. VCF-style (leftmost placement, unchanged base first): chr1-237760930-G-GT. GRCh37 (hg19) VCF-style: chr1-237924230-G-GT.
Identifiers: ClinVar variation 1722363 (VCV001722363.1), dbSNP rs563753018, ClinGen allele CA1474963.

ClinVar aggregate classification (germline): Benign (1 of 4 stars; one submission).

Submission:

Women's Health and Genetics/Laboratory Corporation of America, LabCorp
Classification: Benign. Last evaluated: 2022-09-26. Review status: criteria provided, single submitter. Criteria: LabCorp Variant Classification Summary - May 2015. Collection method: clinical testing. Allele origin: germline.
Comment: Variant summary: RYR2 c.11403-16dupT alters a non-conserved nucleotide located close to a canonical splice site and therefore could affect mRNA splicing, leading to a significantly altered protein sequence. 4/4 computational tools predict no significant impact on normal splicing. However, these predictions have yet to be confirmed by functional studies. The variant allele was found at a frequency of 0.003 in 134340 control chromosomes, predominantly at a frequency of 0.0052 within the African or African-American subpopulation in the gnomAD database. The observed variant frequency within African or African-American control individuals in the gnomAD database is approximately 151 fold of the estimated maximal expected allele frequency for a pathogenic variant in RYR2 causing Catecholaminergic Polymorphic Ventricular Tachycardia phenotype (3.4e-05), strongly suggesting that the variant is a benign polymorphism found primarily in populations of African or African-American origin. To our knowledge, no occurrence of c.11403-16dupT in individuals affected with Catecholaminergic Polymorphic Ventricular Tachycardia and no experimental evidence demonstrating its impact on protein function have been reported. No clinical diagnostic laboratories have submitted clinical-significance assessments for this variant to ClinVar after 2014. Based on the evidence outlined above, the variant was classified as benign.